The following is an entry in ClinVar:

ClinVar aggregate classification (germline): Uncertain significance (1 of 4 stars; one submission).

Conditions:
Inborn genetic diseases. Identifiers: MedGen C0950123, MeSH D030342.

Submission:

Ambry Genetics
Classification: Uncertain significance for Inborn genetic diseases. Last evaluated: 2021-04-23. Review status: criteria provided, single submitter. Criteria: Ambry Variant Classification Scheme 2023. Collection method: clinical testing. Allele origin: germline.
Comment: The c.1825-11_1839dup26 variant results from a duplication of 26 nucleotides between positions 1825-11 and 1839 and involves the canonical splice acceptor site before coding exon 11 of the TRPV4 gene. The canonical splice acceptor site is highly conserved in available vertebrate species. In silico splice site analysis predicts that this alteration will weaken the native acceptor site and result in the creation or strengthening of a novel splice acceptor site. Alterations that disrupt the canonical splice site are expected to cause aberrant splicing, resulting in an abnormal protein or a transcript that is subject to nonsense-mediated mRNA decay. However, loss of function of TRPV4 has not been clearly established as a mechanism of disease. Since supporting evidence is limited at this time, the clinical significance of this alteration remains unclear.

NM_021625.5(TRPV4):c.1825-11_1839dup

Gene: TRPV4 (transient receptor potential cation channel subfamily V member 4; minus strand). Cytogenetic location: 12q24.11.
Variant type: Duplication.
Coding change: c.1825-11_1839dup on transcript NM_021625.5 (MANE Select); 11 bases into the intron before coding-DNA position 1825 through coding-DNA position 1839, 26 bases duplicated (GGGGTCTTTAGATTCTCTTCAAGGAC).
Molecular consequence: splice acceptor variant.
Genome position (GRCh38, 1-based): chr12:109,792,415-109,792,440, GTCCTTGAAGAGAATCTAAAGACCCC duplicated on the plus strand (GGGGTCTTTAGATTCTCTTCAAGGAC on the coding strand, the reverse complement: TRPV4 is on the minus strand). VCF-style (leftmost placement, unchanged base first): chr12-109792414-G-GGTCCTTGAAGAGAATCTAAAGACCCC. GRCh37 (hg19) VCF-style: chr12-110230219-G-GGTCCTTGAAGAGAATCTAAAGACCCC.
Other names: c.1504-11_1518dup (NM_001177433.1); c.1684-11_1698dup (NM_001177428.1); c.1645-11_1659dup (NM_147204.2); c.1723-11_1737dup (NM_001177431.1).
Identifiers: ClinVar variation 1780823 (VCV001780823.2), dbSNP rs2548725912, ClinGen allele CA2580085768.
Genomic context (GRCh38, chr12:109,792,414, plus strand): 5'-AGAGCTCACCTGAAGCGTAGCCGATCATGAAGAGCAAGTAGACGAGCAGGAATCGGAAAA[G>GGTCCTTGAAGAGAATCTAAAGACCCC]GTCCTTGAAGAGAATCTAAAGACCCCAGCGGGATTATGGAGGCAAAGAGGAGACACATGG-3'